The following is an entry in ClinVar:

ClinVar aggregate classification (germline): Pathogenic (1 of 4 stars; one submission).

Allele frequency attached by ClinVar (database versions not stated): gnomAD 0.00001; TOPMed below 0.00001; gnomAD exomes below 0.00001.
gnomAD v4.1: 2 of 1,613,246 alleles (0.00012%); highest among the groups gnomAD compares: Non-Finnish European, 0.00017%; no homozygotes.

Submission:

Labcorp Genetics (formerly Invitae), Labcorp
Classification: Pathogenic. Last evaluated: 2025-06-12. Review status: criteria provided, single submitter. Criteria: Invitae Variant Classification Sherloc (09022015). Collection method: clinical testing. Allele origin: germline.
Comment: This sequence change creates a premature translational stop signal (p.Glu196*) in the MFF gene. It is expected to result in an absent or disrupted protein product. Loss-of-function variants in MFF are known to be pathogenic (PMID: 22499341, 26783368). This variant is not present in population databases (gnomAD no frequency). This variant has not been reported in the literature in individuals affected with MFF-related conditions. ClinVar contains an entry for this variant (Variation ID: 2786151). Algorithms developed to predict the effect of sequence changes on RNA splicing suggest that this variant may disrupt the consensus splice site. For these reasons, this variant has been classified as Pathogenic.

Literature cited by the submitters: PubMed 22499341; PubMed 26783368.

NM_001277062.2(MFF):c.440+2432G>T

Gene: MFF (mitochondrial fission factor; plus strand). Cytogenetic location: 2q36.3.
Variant type: single nucleotide variant.
Coding change: c.440+2432G>T on transcript NM_001277062.2 (MANE Select); 2432 bases into the intron after coding-DNA position 440, G replaced by T.
Molecular consequence: intron variant. On other transcripts: nonsense (3).
Genome position (GRCh38, 1-based): chr2:227,342,812, G>T. VCF-style: chr2-227342812-G-T. GRCh37 (hg19) VCF-style: chr2-228207528-G-T.
Other names: c.586G>T, p.Glu196Ter (NM_001277061.2, NM_020194.5); c.508G>T, p.Glu170Ter (NM_001277063.2); c.440+2432G>T (NM_001277064.2, NM_001277065.2, NM_001277066.2 and 1 more transcripts); c.290+2432G>T (NM_001277067.1); short protein forms E170*, E196*.
Identifiers: ClinVar variation 2786151 (VCV002786151.3), dbSNP rs1334838296, ClinGen allele CA350849939.